The following is an entry in ClinVar:

NM_000303.3(PMM2):c.67-1G>C

Gene: PMM2 (phosphomannomutase 2; plus strand). Cytogenetic location: 16p13.2.
Variant type: single nucleotide variant.
Coding change: c.67-1G>C on transcript NM_000303.3 (MANE Select); the canonical splice acceptor site of the intron before coding-DNA position 67, G replaced by C.
Molecular consequence: splice acceptor variant.
Genome position (GRCh38, 1-based): chr16:8,801,798, G>C. VCF-style: chr16-8801798-G-C. GRCh37 (hg19) VCF-style: chr16-8895655-G-C.
Identifiers: ClinVar variation 2094293 (VCV002094293.5), dbSNP rs780588364, ClinGen allele CA7893880.
Genomic context (GRCh38, chr16:8,801,798, plus strand): 5'-GTTTTGGTCTCCTGATTATTGTGTGGCTTATGACTGTTGTATTTTCTTTCTTGAAATTTA[G>C]AAAATTACCAAAGAAATGGATGACTTCCTACAAAAATTGAGGCAGAAGATCAAAATCGGA-3'

ClinVar aggregate classification (germline): Pathogenic/Likely pathogenic. Review status: criteria provided, multiple submitters, no conflicts (2 of 4 stars). 2 submissions from 2 submitters: Pathogenic (1); Likely pathogenic (1). Last evaluated 2023-09-28.

Conditions:
PMM2-congenital disorder of glycosylation. Also called: Congenital disorder of glycosylation, type Ia; PMM2-CDG; CDG Ia; JAEKEN SYNDROME; PHOSPHOMANNOMUTASE 2 DEFICIENCY; CARBOHYDRATE-DEFICIENT GLYCOPROTEIN SYNDROME, TYPE Ia. Identifiers: Orphanet 79318, MedGen C0349653, MONDO:0008907, OMIM 212065.

Allele frequency attached by ClinVar (database versions not stated): ExAC 0.00001; gnomAD 0.00001.
gnomAD v4.1: 1 of 1,595,578 alleles (0.000063%); highest among the groups gnomAD compares: African/African-American, 0.0014%; no homozygotes.

Submissions (2):

Baylor Genetics
Classification: Likely pathogenic for PMM2-congenital disorder of glycosylation. Last evaluated: 2023-09-28. Review status: criteria provided, single submitter. Criteria: ACMG Guidelines, 2015. Collection method: clinical testing. Allele origin: unknown.

Labcorp Genetics (formerly Invitae), Labcorp
Classification: Pathogenic for PMM2-congenital disorder of glycosylation. Last evaluated: 2023-07-13. Review status: criteria provided, single submitter. Criteria: Invitae Variant Classification Sherloc (09022015). Collection method: clinical testing. Allele origin: germline.
Comment: This sequence change affects an acceptor splice site in intron 1 of the PMM2 gene. It is expected to disrupt RNA splicing. Variants that disrupt the donor or acceptor splice site typically lead to a loss of protein function (PMID: 16199547), and loss-of-function variants in PMM2 are known to be pathogenic (PMID: 19862844). This variant is present in population databases (rs780588364, gnomAD 0.007%). Disruption of this splice site has been observed in individual(s) with congenital disorder of glycosylation type 1a (PMID: 11350185). ClinVar contains an entry for this variant (Variation ID: 2094293). Algorithms developed to predict the effect of sequence changes on RNA splicing suggest that this variant may disrupt the consensus splice site. For these reasons, this variant has been classified as Pathogenic.

Literature cited by the submitters: PubMed 16199547 (cited by Labcorp Genetics (formerly Invitae), Labcorp); PubMed 19862844 (cited by Labcorp Genetics (formerly Invitae), Labcorp); PubMed 11350185 (cited by Labcorp Genetics (formerly Invitae), Labcorp).